The following is an entry in ClinVar:

NM_003718.5(CDK13):c.850A>G (p.Lys284Glu)

Gene: CDK13 (cyclin dependent kinase 13; plus strand). Cytogenetic location: 7p14.1.
Variant type: single nucleotide variant.
Coding change: c.850A>G on transcript NM_003718.5 (MANE Select); coding-DNA position 850, A replaced by G.
Protein change: p.Lys284Glu; replaces lysine 284 with glutamic acid.
Molecular consequence: missense variant.
Genome position (GRCh38, 1-based): chr7:39,951,491, A>G. VCF-style: chr7-39951491-A-G. GRCh37 (hg19) VCF-style: chr7-39991090-A-G.
Other names: c.850A>G, p.Lys284Glu (NM_031267.4); short protein forms K284E.
Identifiers: ClinVar variation 2439869 (VCV002439869.6), dbSNP rs1224616211, ClinGen allele CA367310620.

ClinVar aggregate classification (germline): Uncertain significance. Review status: criteria provided, multiple submitters, no conflicts (2 of 4 stars). 2 submissions from 2 submitters: Uncertain significance (2). Last evaluated 2023-01-25.

Conditions:
Congenital heart defects, dysmorphic facial features, and intellectual developmental disorder (CHDFIDD). Identifiers: Orphanet 646278, MedGen C4479246, MONDO:0044302, OMIM 617360.

Allele frequency attached by ClinVar (database versions not stated): gnomAD 0.00001; gnomAD exomes 0.00001; TOPMed 0.00001.
gnomAD v4.1: 9 of 1,536,896 alleles (0.00059%); highest among the groups gnomAD compares: African/African-American, 0.0056%; no homozygotes.

Submissions (2):

Labcorp Genetics (formerly Invitae), Labcorp
Classification: Uncertain significance. Last evaluated: 2023-01-25. Review status: criteria provided, single submitter. Criteria: Invitae Variant Classification Sherloc (09022015). Collection method: clinical testing. Allele origin: germline.
Comment: In summary, the available evidence is currently insufficient to determine the role of this variant in disease. Therefore, it has been classified as a Variant of Uncertain Significance. Advanced modeling of protein sequence and biophysical properties (such as structural, functional, and spatial information, amino acid conservation, physicochemical variation, residue mobility, and thermodynamic stability) has been performed at Invitae for this missense variant, however the output from this modeling did not meet the statistical confidence thresholds required to predict the impact of this variant on CDK13 protein function. This variant has not been reported in the literature in individuals affected with CDK13-related conditions. The frequency data for this variant in the population databases is considered unreliable, as metrics indicate poor data quality at this position in the gnomAD database. This sequence change replaces lysine, which is basic and polar, with glutamic acid, which is acidic and polar, at codon 284 of the CDK13 protein (p.Lys284Glu).

Revvity Omics, Revvity
Classification: Uncertain significance for Congenital heart defects, dysmorphic facial features, and intellectual developmental disorder. Last evaluated: 2021-01-29. Review status: criteria provided, single submitter. Criteria: ACMG Guidelines, 2015. Collection method: clinical testing. Allele origin: germline.